The following is an entry in ClinVar:

NM_024675.4(PALB2):c.1991T>G (p.Met664Arg)

Gene: PALB2 (partner and localizer of BRCA2; minus strand). Cytogenetic location: 16p12.2.
Variant type: single nucleotide variant.
Coding change: c.1991T>G on transcript NM_024675.4 (MANE Select); coding-DNA position 1991, T replaced by G.
Protein change: p.Met664Arg; replaces methionine 664 with arginine.
Molecular consequence: missense variant.
Genome position (GRCh38, 1-based): chr16:23,630,163, A>C on the plus strand (T>G on the coding strand, the complement: PALB2 is on the minus strand). VCF-style: chr16-23630163-A-C. GRCh37 (hg19) VCF-style: chr16-23641484-A-C.
Other names: short protein forms M664R.
Identifiers: ClinVar variation 560873 (VCV000560873.18), dbSNP rs945657254, ClinGen allele CA395127223.

ClinVar aggregate classification (germline): Conflicting classifications of pathogenicity. Review status: criteria provided, conflicting classifications (1 of 4 stars). 3 submissions from 3 submitters: Uncertain significance (2); Likely benign (1). Last evaluated 2026-01-31.

Conditions:
Familial cancer of breast. Also called: hereditary breast carcinoma; Hereditary breast cancer; BREAST CANCER, FAMILIAL. Identifiers: Orphanet 227535, MedGen C0346153, MONDO:0016419, OMIM 114480. Disease mechanism: loss of function.
Hereditary cancer-predisposing syndrome. Also called: Hereditary neoplastic syndrome; Neoplastic Syndromes, Hereditary; Tumor predisposition; Hereditary Cancer Syndrome. Identifiers: Orphanet 140162, MedGen C0027672, MeSH D009386, MONDO:0015356.

Allele frequency attached by ClinVar (database versions not stated): gnomAD exomes below 0.00001.
gnomAD v4.1: 1 of 1,614,178 alleles (0.000062%); highest among the groups gnomAD compares: Admixed American, 0.0017%; no homozygotes.

Submissions (3):

Labcorp Genetics (formerly Invitae), Labcorp
Classification: Uncertain significance for Familial cancer of breast. Last evaluated: 2026-01-31. Review status: criteria provided, single submitter. Criteria: Invitae Variant Classification Sherloc (09022015). Collection method: clinical testing. Allele origin: germline.
Comment: This sequence change replaces methionine, which is neutral and non-polar, with arginine, which is basic and polar, at codon 664 of the PALB2 protein (p.Met664Arg). This variant is present in population databases (no rsID available, gnomAD 0.003%). This variant has not been reported in the literature in individuals affected with PALB2-related conditions. ClinVar contains an entry for this variant (Variation ID: 560873). Invitae Evidence Modeling of protein sequence and biophysical properties (such as structural, functional, and spatial information, amino acid conservation, physicochemical variation, residue mobility, and thermodynamic stability) indicates that this missense variant is not expected to disrupt PALB2 protein function with a negative predictive value of 80%. In summary, the available evidence is currently insufficient to determine the role of this variant in disease. Therefore, it has been classified as a Variant of Uncertain Significance.

Ambry Genetics
Classification: Likely benign for Hereditary cancer-predisposing syndrome. Last evaluated: 2024-07-29. Review status: criteria provided, single submitter. Criteria: Ambry Variant Classification Scheme 2023. Collection method: clinical testing. Allele origin: germline.

PreventionGenetics, part of Exact Sciences
Classification: Uncertain significance. Last evaluated: 2017-12-27. Review status: criteria provided, single submitter. Criteria: ACMG Guidelines, 2015. Collection method: clinical testing. Allele origin: germline.